The following is an entry in ClinVar:

ClinVar aggregate classification (germline): Likely pathogenic (1 of 4 stars; one submission).

Submission:

CeGaT Center for Human Genetics Tuebingen
Classification: Likely pathogenic. Last evaluated: 2024-10-01. Review status: criteria provided, single submitter. Criteria: CeGaT Center For Human Genetics Tuebingen Variant Classification Criteria Version 2. Collection method: clinical testing. Allele origin: germline. Affected: yes. Observed: 1 variant allele.
Comment: FGD1: PVS1:Strong, PM2, PP4

NM_004463.3(FGD1):c.2530del (p.Val844fs)

Genes: FGD1 (FYVE, RhoGEF and PH domain containing 1; minus strand), TSR2 (TSR2 ribosome maturation factor; plus strand). Cytogenetic location: Xp11.22.
Variant type: Deletion.
Coding change: c.2530del on transcript NM_004463.3 (MANE Select); coding-DNA position 2530, one base deleted (G; older notation c.2530delG).
Protein change: p.Val844fs; shifts the reading frame from valine 844.
Molecular consequence: frameshift variant. On other transcripts: 3 prime UTR variant (5).
Genome position (GRCh38, 1-based): chrX:54,447,361, C deleted on the plus strand (G on the coding strand, the reverse complement: FGD1 is on the minus strand). VCF-style (leftmost placement, unchanged base first): chrX-54447360-AC-A. GRCh37 (hg19) VCF-style: chrX-54473793-AC-A.
Other names: c.*2811del (NM_001346789.2, NM_001346790.2, NM_001346791.2 and 2 more transcripts); short protein forms V844fs.
Identifiers: ClinVar variation 3389819 (VCV003389819.14).